The following is an entry in ClinVar:

NM_001845.6(COL4A1):c.393G>A (p.Glu131=)

Gene: COL4A1 (collagen type IV alpha 1 chain; minus strand). Cytogenetic location: 13q34.
Variant type: single nucleotide variant.
Coding change: c.393G>A on transcript NM_001845.6 (MANE Select); coding-DNA position 393, G replaced by A.
Protein change: p.Glu131=; no amino-acid change (glutamic acid 131 retained).
Molecular consequence: synonymous variant.
Genome position (GRCh38, 1-based): chr13:110,211,917, C>T on the plus strand (G>A on the coding strand, the complement: COL4A1 is on the minus strand). VCF-style: chr13-110211917-C-T. GRCh37 (hg19) VCF-style: chr13-110864264-C-T.
Other names: p.Glu131=; c.393G>A, p.Glu131= (NM_001303110.2).
Identifiers: ClinVar variation 198472 (VCV000198472.30), dbSNP rs34458255, ClinGen allele CA203470.

ClinVar aggregate classification (germline): Benign/Likely benign. Review status: criteria provided, multiple submitters, no conflicts (2 of 4 stars). 11 submissions from 10 submitters: Benign (7); Likely benign (2). 2 of the submissions do not count toward it. Last evaluated 2026-02-01.

Conditions:
Brain small vessel disease 1 with or without ocular anomalies (BSVD1). Also called: Brain small vessel disease with or without ocular anomalies; PORENCEPHALY, TYPE 1, AUTOSOMAL DOMINANT; BRAIN SMALL VESSEL DISEASE WITH HEMORRHAGE; GOULD SYNDROME 1. Identifiers: Orphanet 2940, Orphanet 36383, Orphanet 99810, MedGen C4755307, MONDO:0008289, OMIM 175780.
Autosomal dominant familial hematuria-retinal arteriolar tortuosity-contractures syndrome. Also called: Hereditary Angiopathy with Nephropathy, Aneurysms, and Muscle Cramps (HANAC) Syndrome; Angiopathy, hereditary, with nephropathy, aneurysms, and muscle cramps. Identifiers: Orphanet 73229, MedGen C2673195, MONDO:0012726, OMIM 611773.

Allele frequency attached by ClinVar (database versions not stated): ESP Exome Variant Server 0.00484; gnomAD 0.00500 and 0.00546; TOPMed 0.00606; gnomAD exomes 0.00611 and 0.00705; 1000 Genomes Project 30x 0.00656; 1000 Genomes Project 0.00659; ExAC 0.00719.

Submissions (11):

Labcorp Genetics (formerly Invitae), Labcorp
Classification: Benign. Last evaluated: 2026-02-01. Review status: criteria provided, single submitter. Criteria: Invitae Variant Classification Sherloc (09022015). Collection method: clinical testing. Allele origin: germline.

Blueprint Genetics
Classification: Likely benign. Last evaluated: 2024-11-21. Review status: criteria provided, single submitter. Criteria: ACMG Guidelines, 2015. Collection method: clinical testing. Allele origin: germline.

Mayo Clinic Laboratories, Mayo Clinic
Classification: Benign. Last evaluated: 2024-10-29. Review status: criteria provided, single submitter. Criteria: ACMG Guidelines, 2015. Collection method: clinical testing. Allele origin: germline. Observed: 12 variant alleles.
Comment: BS1, BS2, BP4, BP7

Athena Diagnostics
Classification: Benign. Last evaluated: 2024-07-30. Review status: criteria provided, single submitter. Criteria: Athena Diagnostics Criteria. Collection method: clinical testing. Allele origin: unknown.

GeneDx
Classification: Benign. Last evaluated: 2020-09-02. Review status: criteria provided, single submitter. Criteria: GeneDx Variant Classification Process June 2021. Collection method: clinical testing. Allele origin: germline. Affected: yes.

Illumina Laboratory Services, Illumina
Classification: Benign for Brain small vessel disease 1 with or without ocular anomalies. Last evaluated: 2018-01-13. Review status: criteria provided, single submitter. Criteria: ICSL Variant Classification Criteria 13 December 2019. Collection method: clinical testing. Allele origin: germline.
Comment: This variant was observed in the ICSL laboratory as part of a predisposition screen in an ostensibly healthy population. It had not been previously curated by ICSL or reported in the Human Gene Mutation Database (HGMD: prior to June 1st, 2018), and was therefore a candidate for classification through an automated scoring system. Utilizing variant allele frequency, disease prevalence and penetrance estimates, and inheritance mode, an automated score was calculated to assess if this variant is too frequent to cause the disease. Based on the score and internal cut-off values, a variant classified as benign is not then subjected to further curation. The score for this variant resulted in a classification of benign for this disease.

Illumina Laboratory Services, Illumina
Classification: Benign for Autosomal dominant familial hematuria-retinal arteriolar tortuosity-contractures syndrome. Last evaluated: 2018-01-13. Review status: criteria provided, single submitter. Criteria: ICSL Variant Classification Criteria 13 December 2019. Collection method: clinical testing. Allele origin: germline.
Comment: the same text as in the submission from Illumina Laboratory Services, Illumina above.

Eurofins Ntd Llc (ga)
Classification: Benign. Last evaluated: 2014-10-21. Review status: criteria provided, single submitter. Criteria: EGL Classification Definitions 2015. Collection method: clinical testing. Allele origin: germline. Observed: 1 variant allele, 1 heterozygote.

Breakthrough Genomics
Classification: Likely benign. Review status: criteria provided, single submitter. Criteria: ACMG Guidelines, 2015. Collection method: not provided. Allele origin: germline. Inheritance: Autosomal dominant inheritance. Affected: yes.

Clinical Genetics DNA and cytogenetics Diagnostics Lab, Erasmus MC, Erasmus Medical Center
Classification: Likely benign. Review status: no assertion criteria provided. Collection method: clinical testing. Allele origin: germline. Affected: yes. Study: VKGL Data-share Consensus. Not counted in ClinVar's aggregate classification.

Laboratory of Diagnostic Genome Analysis, Leiden University Medical Center (LUMC)
Classification: Likely benign. Review status: no assertion criteria provided. Collection method: clinical testing. Allele origin: germline. Affected: yes. Study: VKGL Data-share Consensus. Not counted in ClinVar's aggregate classification.